The following is an entry in ClinVar:

NM_004991.4(MECOM):c.1692del (p.Ser565fs)

Gene: MECOM (MDS1 and EVI1 complex locus; minus strand). Cytogenetic location: 3q26.2.
Variant type: Deletion.
Coding change: c.1692del on transcript NM_004991.4 (MANE Select); coding-DNA position 1692, one base deleted (C; older notation c.1692delC).
Protein change: p.Ser565fs; shifts the reading frame from serine 565.
Molecular consequence: frameshift variant. On other transcripts: intron variant (2).
Genome position (GRCh38, 1-based): chr3:169,116,180, G deleted on the plus strand (C on the coding strand, the reverse complement: MECOM is on the minus strand); the first of 2 consecutive G bases (chr3:169,116,180-169,116,181); deleting either gives the same sequence. VCF-style (leftmost placement, unchanged base first): chr3-169116179-AG-A. GRCh37 (hg19) VCF-style: chr3-168833967-AG-A.
Other names: c.1323del, p.Ser442fs (NM_001105077.4); c.1128del, p.Ser377fs (NM_001105078.4, NM_001164000.2, NM_001205194.2 and 4 more transcripts); c.1131del, p.Ser378fs (NM_001163999.2, NM_001366467.2, NM_001366468.2 and 1 more transcripts); c.1692del, p.Ser565fs (NM_001366466.2); c.1133-413del (NM_001366473.2); c.569-413del (NM_001366474.2); short protein forms S442fs, S565fs, S377fs, S378fs.
Identifiers: ClinVar variation 1454043 (VCV001454043.6), dbSNP rs2149078493, ClinGen allele CA2573136734.
Genomic context (GRCh38, chr3:169,116,179, plus strand): 5'-CATCATCAAGGTCACTACTCTCTGACTGGTCACTGATTTTCTCAAAGGGCCTCTCTTCAG[AG>A]GACCTCTCGGGCTGGAGCTCCACTGGCTTATTGTCCCCTACAGATGGGTGTTTAGATAGT-3'

ClinVar aggregate classification (germline): Pathogenic (1 of 4 stars; one submission).

Submission:

Labcorp Genetics (formerly Invitae), Labcorp
Classification: Pathogenic. Last evaluated: 2021-02-22. Review status: criteria provided, single submitter. Criteria: Invitae Variant Classification Sherloc (09022015). Collection method: clinical testing. Allele origin: germline.
Comment: This sequence change creates a premature translational stop signal (p.Ser377Leufs*59) in the MECOM gene. It is expected to result in an absent or disrupted protein product. Loss-of-function variants in MECOM are known to be pathogenic (PMID: 29540340). This variant is not present in population databases (ExAC no frequency). This variant has not been reported in the literature in individuals with MECOM-related conditions. For these reasons, this variant has been classified as Pathogenic.

Literature cited by the submitters: PubMed 29540340.